The following is an entry in ClinVar:

ClinVar aggregate classification (germline): Conflicting classifications of pathogenicity. Review status: criteria provided, conflicting classifications (1 of 4 stars). 12 submissions from 11 submitters: Uncertain significance (1); Benign (6); Likely benign (2). 3 of the submissions do not count toward it. Last evaluated 2026-02-02.

Conditions:
Usher syndrome type 1 (USH1). Also called: RETINITIS PIGMENTOSA AND CONGENITAL DEAFNESS. Identifiers: Orphanet 231169, Orphanet 886, MedGen C1568247, MONDO:0010168, OMIM 276900.
Usher syndrome type 1D (USH1D). Also called: USHER SYNDROME, TYPE ID. Identifiers: Orphanet 231169, Orphanet 886, MedGen C1832845, MONDO:0010984, OMIM 601067.
Autosomal recessive nonsyndromic hearing loss 12. Also called: DEAFNESS, AUTOSOMAL RECESSIVE 12. Identifiers: Orphanet 90636, MedGen C1832394, MONDO:0011067, OMIM 601386.

Allele frequency attached by ClinVar (database versions not stated): ESP Exome Variant Server 0.00008; gnomAD 0.00096 and 0.00139; gnomAD exomes 0.00150 and 0.00280; TOPMed 0.00156; ExAC 0.00260; 1000 Genomes Project 30x 0.00578; 1000 Genomes Project 0.00659.
gnomAD v4.1: 2,421 of 1,613,992 alleles (0.15%); highest among the groups gnomAD compares: East Asian, 3.8%; 35 homozygotes.

Submissions (12):

Labcorp Genetics (formerly Invitae), Labcorp
Classification: Benign. Last evaluated: 2026-02-02. Review status: criteria provided, single submitter. Criteria: Invitae Variant Classification Sherloc (09022015). Collection method: clinical testing. Allele origin: germline.

Blueprint Genetics
Classification: Likely benign. Last evaluated: 2024-11-18. Review status: criteria provided, single submitter. Criteria: ACMG Guidelines, 2015. Collection method: clinical testing. Allele origin: germline.

Mayo Clinic Laboratories, Mayo Clinic
Classification: Benign. Last evaluated: 2024-04-01. Review status: criteria provided, single submitter. Criteria: ACMG Guidelines, 2015. Collection method: clinical testing. Allele origin: germline. Observed: 2 variant alleles.
Comment: BA1, BS2, BP4

ARUP Laboratories, Molecular Genetics and Genomics, ARUP Laboratories
Classification: Benign. Last evaluated: 2022-02-28. Review status: criteria provided, single submitter. Criteria: ARUP Molecular Germline Variant Investigation Process 2021. Collection method: clinical testing. Allele origin: germline.

Pars Genome Lab
Classification: Likely benign for Usher syndrome type 1D. Last evaluated: 2021-05-18. Review status: criteria provided, single submitter. Criteria: ACMG Guidelines, 2015. Collection method: clinical testing. Allele origin: germline. Affected: no.

GeneDx
Classification: Benign. Last evaluated: 2018-09-12. Review status: criteria provided, single submitter. Criteria: GeneDx Variant Classification Process June 2021. Collection method: clinical testing. Allele origin: germline. Affected: yes.

Illumina Laboratory Services, Illumina
Classification: Benign for Usher syndrome type 1D. Last evaluated: 2017-04-27. Review status: criteria provided, single submitter. Criteria: ICSL Variant Classification Criteria 13 December 2019. Collection method: clinical testing. Allele origin: germline.
Comment: This variant was observed as part of a predisposition screen in an ostensibly healthy population. A literature search was performed for the gene, cDNA change, and amino acid change (where applicable). Publications were found based on this search. The evidence from the literature, in combination with allele frequency data from public databases where available, was sufficient to rule this variant out of causing disease. Therefore, this variant is classified as benign.

Illumina Laboratory Services, Illumina
Classification: Uncertain significance for Autosomal recessive nonsyndromic hearing loss 12. Last evaluated: 2017-04-27. Review status: criteria provided, single submitter. Criteria: ICSL Variant Classification Criteria 13 December 2019. Collection method: clinical testing. Allele origin: germline.
Comment: This variant was observed as part of a predisposition screen in an ostensibly healthy population. A literature search was performed for the gene, cDNA change, and amino acid change (where applicable). Publications were found based on this search. However, the evidence from the literature, in combination with allele frequency data from public databases where available, was not sufficient to rule this variant in or out of causing disease. Therefore, this variant is classified as a variant of unknown significance.

Laboratory for Molecular Medicine, Mass General Brigham Personalized Medicine
Classification: Benign. Last evaluated: 2012-07-23. Review status: criteria provided, single submitter. Criteria: LMM Criteria. Collection method: clinical testing. Allele origin: germline. Observed: 14 variant alleles.
Comment: Ser170Ser in exon 7 of CDH23: This variant has been observed in patients (Nakani shi 2010, Oshima 2008, Wagatsuma 2007) but is not expected to have clinical sign ificance because it does not alter an amino acid residue, is not located near a splice junction and has been identified in 1% (21/2100) individuals (dbSNP rs143 341423).

Natera, Inc.
Classification: Benign for Usher syndrome type 1. Last evaluated: 2020-09-16. Review status: no assertion criteria provided. Collection method: clinical testing. Allele origin: germline. Not counted in ClinVar's aggregate classification.

Clinical Genetics DNA and cytogenetics Diagnostics Lab, Erasmus MC, Erasmus Medical Center
Classification: Likely benign. Review status: no assertion criteria provided. Collection method: clinical testing. Allele origin: germline. Affected: yes. Study: VKGL Data-share Consensus. Not counted in ClinVar's aggregate classification.

Clinical Genetics, Academic Medical Center
Classification: Benign. Review status: no assertion criteria provided. Collection method: clinical testing. Allele origin: germline. Affected: yes. Study: VKGL Data-share Consensus. Not counted in ClinVar's aggregate classification.

Literature cited by the submitters: PubMed 20844544 (cited by Illumina Laboratory Services, Illumina and Laboratory for Molecular Medicine, Mass General Brigham Personalized Medicine); PubMed 18429043 (cited by Illumina Laboratory Services, Illumina and Laboratory for Molecular Medicine, Mass General Brigham Personalized Medicine); PubMed 17850630 (cited by Illumina Laboratory Services, Illumina and Laboratory for Molecular Medicine, Mass General Brigham Personalized Medicine).

NM_022124.6(CDH23):c.510C>T (p.Ser170=)

Gene: CDH23 (cadherin related 23; plus strand). Cytogenetic location: 10q22.1.
Variant type: single nucleotide variant.
Coding change: c.510C>T on transcript NM_022124.6 (MANE Select); coding-DNA position 510, C replaced by T.
Protein change: p.Ser170=; no amino-acid change (serine 170 retained).
Molecular consequence: synonymous variant.
Genome position (GRCh38, 1-based): chr10:71,566,822, C>T. VCF-style: chr10-71566822-C-T. GRCh37 (hg19) VCF-style: chr10-73326579-C-T.
Other names: p.Ser170=; c.510C>T, p.Ser170= (NM_001171930.2, NM_001171931.2, NM_001171932.2 and 1 more transcripts).
Identifiers: ClinVar variation 45966 (VCV000045966.28), dbSNP rs143341423, ClinGen allele CA137464.